The following is an entry in ClinVar:

ClinVar aggregate classification (germline): Conflicting classifications of pathogenicity. Review status: criteria provided, conflicting classifications (1 of 4 stars). 3 submissions from 3 submitters: Likely pathogenic (1); Uncertain significance (1). 1 of the submissions does not count toward it. Last evaluated 2025-01-30.

Conditions:
Galactosylceramide beta-galactosidase deficiency. Also called: Krabbe Disease; GALACTOCEREBROSIDASE DEFICIENCY; GALC DEFICIENCY; GLOBOID CELL LEUKOENCEPHALOPATHY; Leukodystrophy, Globoid Cell. Identifiers: Orphanet 487, MedGen C0023521, MONDO:0009499, OMIM 245200.

Allele frequency attached by ClinVar (database versions not stated): gnomAD exomes below 0.00001; gnomAD 0.00001; TOPMed 0.00001.
gnomAD v4.1: 2 of 1,548,496 alleles (0.00013%); highest among the groups gnomAD compares: Admixed American, 0.0019%; no homozygotes.

Submissions (3):

Labcorp Genetics (formerly Invitae), Labcorp
Classification: Uncertain significance for Galactosylceramide beta-galactosidase deficiency. Last evaluated: 2025-01-30. Review status: criteria provided, single submitter. Criteria: Invitae Variant Classification Sherloc (09022015). Collection method: clinical testing. Allele origin: germline.
Comment: This sequence change replaces serine, which is neutral and polar, with proline, which is neutral and non-polar, at codon 392 of the GALC protein (p.Ser392Pro). This variant is not present in population databases (gnomAD no frequency). This variant has not been reported in the literature in individuals affected with GALC-related conditions. This variant is also known as S376P. ClinVar contains an entry for this variant (Variation ID: 555927). Invitae Evidence Modeling of protein sequence and biophysical properties (such as structural, functional, and spatial information, amino acid conservation, physicochemical variation, residue mobility, and thermodynamic stability) indicates that this missense variant is expected to disrupt GALC protein function with a positive predictive value of 95%. Experimental studies have shown that this missense change affects GALC function (PMID: 27638593). In summary, the available evidence is currently insufficient to determine the role of this variant in disease. Therefore, it has been classified as a Variant of Uncertain Significance.

Mendelics
Classification: Likely pathogenic for Galactosylceramide beta-galactosidase deficiency. Last evaluated: 2022-05-04. Review status: criteria provided, single submitter. Criteria: Mendelics Assertion Criteria 2019. Collection method: clinical testing. Allele origin: germline.

Counsyl
Classification: Uncertain significance for Galactosylceramide beta-galactosidase deficiency. Last evaluated: 2018-01-03. Review status: no assertion criteria provided. Collection method: clinical testing. Allele origin: unknown. Not counted in ClinVar's aggregate classification.

Literature cited by the submitters: PubMed 27638593 (cited by Labcorp Genetics (formerly Invitae), Labcorp and Counsyl).

NM_000153.4(GALC):c.1174T>C (p.Ser392Pro)

Gene: GALC (galactosylceramidase; minus strand). Cytogenetic location: 14q31.3.
Variant type: single nucleotide variant.
Coding change: c.1174T>C on transcript NM_000153.4 (MANE Select); coding-DNA position 1174, T replaced by C.
Protein change: p.Ser392Pro; replaces serine 392 with proline.
Molecular consequence: missense variant.
Genome position (GRCh38, 1-based): chr14:87,950,736, A>G on the plus strand (T>C on the coding strand, the complement: GALC is on the minus strand). VCF-style: chr14-87950736-A-G. GRCh37 (hg19) VCF-style: chr14-88417080-A-G.
Other names: c.1105T>C, p.Ser369Pro (NM_001201401.2); c.1096T>C, p.Ser366Pro (NM_001201402.2); short protein forms S392P, S366P, S369P.
Identifiers: ClinVar variation 555927 (VCV000555927.7), dbSNP rs1200769534, ClinGen allele CA390747072.